The following is an entry in ClinVar:

NM_001303256.3(MORC2):c.2326C>T (p.Leu776Phe)

Gene: MORC2 (MORC family CW-type zinc finger 2; minus strand). Cytogenetic location: 22q12.2.
Variant type: single nucleotide variant.
Coding change: c.2326C>T on transcript NM_001303256.3 (MANE Select); coding-DNA position 2326, C replaced by T.
Protein change: p.Leu776Phe; replaces leucine 776 with phenylalanine.
Molecular consequence: missense variant.
Genome position (GRCh38, 1-based): chr22:30,933,520, G>A on the plus strand (C>T on the coding strand, the complement: MORC2 is on the minus strand). VCF-style: chr22-30933520-G-A. GRCh37 (hg19) VCF-style: chr22-31329507-G-A.
Other names: c.2326C>T, p.Leu776Phe (NM_001303257.2); c.2140C>T, p.Leu714Phe (NM_014941.3); short protein forms L776F, L714F.
Identifiers: ClinVar variation 1980144 (VCV001980144.4), dbSNP rs1486497006, ClinGen allele CA411233032.

ClinVar aggregate classification (germline): Uncertain significance (1 of 4 stars; one submission).

Conditions:
Charcot-Marie-Tooth disease axonal type 2Z. Also called: CHARCOT-MARIE-TOOTH DISEASE, AXONAL, AUTOSOMAL DOMINANT, TYPE 2Z; CHARCOT-MARIE-TOOTH NEUROPATHY, TYPE 2Z. Identifiers: Orphanet 466768, MedGen C5569025, MONDO:0014736, OMIM 616688.

Allele frequency attached by ClinVar (database versions not stated): gnomAD exomes below 0.00001; TOPMed below 0.00001.
gnomAD v4.1: 3 of 1,613,674 alleles (0.00019%); highest among the groups gnomAD compares: East Asian, 0.0067%; no homozygotes.

Submission:

Labcorp Genetics (formerly Invitae), Labcorp
Classification: Uncertain significance for Charcot-Marie-Tooth disease axonal type 2Z. Last evaluated: 2025-05-19. Review status: criteria provided, single submitter. Criteria: Invitae Variant Classification Sherloc (09022015). Collection method: clinical testing. Allele origin: germline.
Comment: This sequence change replaces leucine, which is neutral and non-polar, with phenylalanine, which is neutral and non-polar, at codon 776 of the MORC2 protein (p.Leu776Phe). This variant is present in population databases (no rsID available, gnomAD 0.006%). This variant has not been reported in the literature in individuals affected with MORC2-related conditions. ClinVar contains an entry for this variant (Variation ID: 1980144). An algorithm developed to predict the effect of missense changes on protein structure and function (PolyPhen-2) suggests that this variant is likely to be tolerated. In summary, the available evidence is currently insufficient to determine the role of this variant in disease. Therefore, it has been classified as a Variant of Uncertain Significance.